The following is an entry in ClinVar:

ClinVar aggregate classification (germline): Uncertain significance (1 of 4 stars; one submission).

Conditions:
Glycogen storage disease, type V (GSD5). Also called: MCARDLE DISEASE; MUSCLE GLYCOGEN PHOSPHORYLASE DEFICIENCY; MYOPHOSPHORYLASE DEFICIENCY; PYGM DEFICIENCY; McArdle type glycogen storage disease. Identifiers: Orphanet 368, MedGen C0017924, MONDO:0009293, OMIM 232600.

Allele frequency attached by ClinVar (database versions not stated): gnomAD exomes below 0.00001; ExAC 0.00002.
gnomAD v4.1: 1 of 1,588,458 alleles (0.000063%); highest among the groups gnomAD compares: South Asian, 0.0011%; no homozygotes.

Submission:

Labcorp Genetics (formerly Invitae), Labcorp
Classification: Uncertain significance for Glycogen storage disease, type V. Last evaluated: 2022-12-05. Review status: criteria provided, single submitter. Criteria: Invitae Variant Classification Sherloc (09022015). Collection method: clinical testing. Allele origin: germline.
Comment: In summary, the available evidence is currently insufficient to determine the role of this variant in disease. Therefore, it has been classified as a Variant of Uncertain Significance. Algorithms developed to predict the effect of sequence changes on RNA splicing suggest that this variant may create or strengthen a splice site. Algorithms developed to predict the effect of missense changes on protein structure and function are either unavailable or do not agree on the potential impact of this missense change (SIFT: "Not Available"; PolyPhen-2: "Benign"; Align-GVGD: "Not Available"). This variant has not been reported in the literature in individuals affected with PYGM-related conditions. The frequency data for this variant in the population databases is considered unreliable, as metrics indicate poor data quality at this position in the gnomAD database. This sequence change replaces isoleucine, which is neutral and non-polar, with valine, which is neutral and non-polar, at codon 468 of the PYGM protein (p.Ile468Val).

NM_005609.4(PYGM):c.1402A>G (p.Ile468Val)

Gene: PYGM (glycogen phosphorylase, muscle associated; minus strand). Cytogenetic location: 11q13.1.
Variant type: single nucleotide variant.
Coding change: c.1402A>G on transcript NM_005609.4 (MANE Select); coding-DNA position 1402, A replaced by G.
Protein change: p.Ile468Val; replaces isoleucine 468 with valine.
Molecular consequence: missense variant.
Genome position (GRCh38, 1-based): chr11:64,753,520, T>C on the plus strand (A>G on the coding strand, the complement: PYGM is on the minus strand). VCF-style: chr11-64753520-T-C. GRCh37 (hg19) VCF-style: chr11-64520992-T-C.
Other names: c.1138A>G, p.Ile380Val (NM_001164716.1); short protein forms I468V, I380V.
Identifiers: ClinVar variation 2983674 (VCV002983674.3), dbSNP rs757470750, ClinGen allele CA6079886.